The following is an entry in ClinVar:

NM_004959.5(NR5A1):c.1344C>T (p.Arg448=)

Gene: NR5A1 (nuclear receptor subfamily 5 group A member 1; minus strand). Cytogenetic location: 9q33.3.
Variant type: single nucleotide variant.
Coding change: c.1344C>T on transcript NM_004959.5 (MANE Select); coding-DNA position 1344, C replaced by T.
Protein change: p.Arg448=; no amino-acid change (arginine 448 retained).
Molecular consequence: synonymous variant.
Genome position (GRCh38, 1-based): chr9:124,482,800, G>A on the plus strand (C>T on the coding strand, the complement: NR5A1 is on the minus strand). VCF-style: chr9-124482800-G-A. GRCh37 (hg19) VCF-style: chr9-127245079-G-A.
Identifiers: ClinVar variation 3044557 (VCV003044557.2), dbSNP rs750275592, ClinGen allele CA5235240.

ClinVar aggregate classification (germline): Likely benign (0 of 4 stars; one submission).

Conditions:
NR5A1-related disorder. Also called: NR5A1-related condition.

Allele frequency attached by ClinVar (database versions not stated): TOPMed 0.00001; gnomAD 0.00002; gnomAD exomes 0.00002; ExAC 0.00003.
gnomAD v4.1: 38 of 1,597,244 alleles (0.0024%); highest among the groups gnomAD compares: Non-Finnish European, 0.0032%; no homozygotes.

Submission:

PreventionGenetics, part of Exact Sciences
Classification: Likely benign for NR5A1-related condition. Last evaluated: 2019-05-30. Review status: no assertion criteria provided. Collection method: clinical testing. Allele origin: germline.
Comment: This variant is classified as likely benign based on ACMG/AMP sequence variant interpretation guidelines (Richards et al. 2015 PMID: 25741868, with internal and published modifications).